The following is an entry in ClinVar:

NM_000814.6(GABRB3):c.496A>G (p.Arg166Gly)

Gene: GABRB3 (gamma-aminobutyric acid type A receptor subunit beta3; minus strand). Cytogenetic location: 15q12.
Variant type: single nucleotide variant.
Coding change: c.496A>G on transcript NM_000814.6 (MANE Select); coding-DNA position 496, A replaced by G.
Protein change: p.Arg166Gly; replaces arginine 166 with glycine.
Molecular consequence: missense variant.
Genome position (GRCh38, 1-based): chr15:26,583,380, T>C on the plus strand (A>G on the coding strand, the complement: GABRB3 is on the minus strand). VCF-style: chr15-26583380-T-C. GRCh37 (hg19) VCF-style: chr15-26828527-T-C.
Other names: c.241A>G, p.Arg81Gly (NM_001191320.2, NM_001278631.2); c.283A>G, p.Arg95Gly (NM_001191321.3); c.496A>G, p.Arg166Gly (NM_021912.5); short protein forms R95G, R166G, R81G.
Identifiers: ClinVar variation 1028379 (VCV001028379.1), dbSNP rs1890857965, ClinGen allele CA391458074.
Genomic context (GRCh38, chr15:26,583,380, plus strand): 5'-ACGGATACACACAGCTTTCAATTTCCAGAGTGCAGTTCTGCTCGTCCAGGGGGTATCTCC[T>C]GAGGTCCATCATGCATGCTGCTGTCGTGGTGATTCTGAAATACACAGGGTGAGGGAAGAT-3'
Protein context (NP_000805.1, residues 156-176): TTTAACMMDL[Arg166Gly]RYPLDEQNCT

ClinVar aggregate classification (germline): Likely pathogenic (1 of 4 stars; one submission).

Conditions:
Developmental and epileptic encephalopathy, 43 (DEE43). Also called: Epileptic encephalopathy, early infantile, 43. Identifiers: MedGen C4310712, MONDO:0014921, OMIM 617113.

Submission:

Baylor Genetics
Classification: Likely pathogenic for Developmental and epileptic encephalopathy, 43. Last evaluated: 2020-06-03. Review status: criteria provided, single submitter. Criteria: ACMG Guidelines, 2015. Collection method: clinical testing. Allele origin: de novo. Affected: yes.
Comment: This variant was determined to be likely pathogenic according to ACMG Guidelines, 2015 [PMID:25741868].